The following is an entry in ClinVar:

ClinVar aggregate classification (germline): Uncertain significance (1 of 4 stars; one submission).

Conditions:
Catecholaminergic polymorphic ventricular tachycardia (CVPT). Also called: Catecholamine-induced polymorphic ventricular tachycardia. Identifiers: Orphanet 3286, MedGen C5574922, MONDO:0017990.

Submission:

All of Us Research Program, National Institutes of Health
Classification: Uncertain significance for Catecholaminergic polymorphic ventricular tachycardia. Last evaluated: 2023-08-23. Review status: criteria provided, single submitter. Criteria: ACMG Guidelines, 2015. Collection method: clinical testing. Allele origin: germline. Inheritance: Autosomal dominant inheritance. Observed: 1 variant allele, 1 heterozygote.
Comment: This variant is located in the RYR2 protein. To our knowledge, functional studies have not been reported for this variant. This variant has not been reported in individuals affected with RYR2-related disorders in the literature. This variant has not been identified in the general population by the Genome Aggregation Database (gnomAD). The available evidence is insufficient to determine the role of this variant in disease conclusively. Therefore, this variant is classified as a Variant of Uncertain Significance.

This study involves interpretation of variants in research participants for the purpose of population health screening. Participant phenotype was not available at the time of variant classification. Additional details can be found in publication PMID: 35346344, PMCID: PMC8962531

NM_001035.3(RYR2):c.7768A>C (p.Arg2590=)

Gene: RYR2 (ryanodine receptor 2; plus strand). Cytogenetic location: 1q43.
Variant type: single nucleotide variant.
Coding change: c.7768A>C on transcript NM_001035.3 (MANE Select); coding-DNA position 7768, A replaced by C.
Protein change: p.Arg2590=; no amino-acid change (arginine 2590 retained).
Molecular consequence: synonymous variant.
Genome position (GRCh38, 1-based): chr1:237,651,445, A>C. VCF-style: chr1-237651445-A-C. GRCh37 (hg19) VCF-style: chr1-237814745-A-C.
Identifiers: ClinVar variation 3073084 (VCV003073084.1), dbSNP rs2547049610, ClinGen allele CA423820219.
Genomic context (GRCh38, chr1:237,651,445, plus strand): 5'-TATGAACATTAGCTTTGTTCCAACAGACAACTGAGACCTTCTATGATGCAGCACTTACTC[A>C]GAAGATTAGTATTTGATGTTCCATTATTAAATGAACACGCAAAGATGCCTCTTAAAGTAA-3'
Protein context (NP_001026.2, residues 2580-2600): LRPSMMQHLL[Arg2590=]RLVFDVPLLN